The following is an entry in ClinVar:

ClinVar aggregate classification (germline): Likely benign. Review status: criteria provided, multiple submitters, no conflicts (2 of 4 stars). 4 submissions from 4 submitters: Likely benign (4). Last evaluated 2024-01-08.

Conditions:
Hereditary cancer-predisposing syndrome. Also called: Hereditary neoplastic syndrome; Hereditary Cancer Syndrome; Neoplastic Syndromes, Hereditary; Tumor predisposition. Identifiers: Orphanet 140162, MedGen C0027672, MeSH D009386, MONDO:0015356.
Hereditary breast ovarian cancer syndrome. Also called: Hereditary breast and ovarian cancer syndrome (HBOC); Hereditary breast and ovarian cancer syndrome; Hereditary breast and ovarian cancer; BRCA1- and BRCA2-Associated Hereditary Breast and Ovarian Cancer; Breast and ovarian cancer; Hereditary breast and/or ovarian cancer syndrome. Identifiers: Orphanet 145, MedGen C0677776, MeSH D061325, MONDO:0003582. Disease mechanism: loss of function.

Submissions (4):

German Consortium for Hereditary Breast and Ovarian Cancer, University Hospital Cologne
Classification: Likely benign for Hereditary breast ovarian cancer syndrome. Last evaluated: 2024-01-08. Review status: criteria provided, single submitter. Criteria: ClinGen BRCA1 V1.0.0. Collection method: curation. Allele origin: germline.
Comment: . According to the ClinGen ENIGMA BRCA1 v1.0.0 criteria we chose this criterium: BP1 (strong benign): BP1_Strong for silent substitution, missense or in-frame insertion, deletion or delins variants outside a (potentially) clinically important functional domain AND no splicing predicted (spliceAI: BRCA1:0.0)

Labcorp Genetics (formerly Invitae), Labcorp
Classification: Likely benign for Hereditary breast ovarian cancer syndrome. Last evaluated: 2021-08-27. Review status: criteria provided, single submitter. Criteria: Invitae Variant Classification Sherloc (09022015). Collection method: clinical testing. Allele origin: germline.

Ambry Genetics
Classification: Likely benign for Hereditary cancer-predisposing syndrome. Last evaluated: 2017-05-11. Review status: criteria provided, single submitter. Criteria: Ambry Variant Classification Scheme 2023. Collection method: clinical testing. Allele origin: germline.

GeneDx
Classification: Likely benign. Last evaluated: 2016-04-20. Review status: criteria provided, single submitter. Criteria: GeneDx Variant Classification (06012015). Collection method: clinical testing. Allele origin: germline. Affected: yes.
Comment: This variant is considered likely benign or benign based on one or more of the following criteria: it is a conservative change, it occurs at a poorly conserved position in the protein, it is predicted to be benign by multiple in silico algorithms, and/or has population frequency not consistent with disease.

NM_007294.4(BRCA1):c.1740C>T (p.Phe580=)

Gene: BRCA1 (BRCA1 DNA repair associated; minus strand). Cytogenetic location: 17q21.31.
Variant type: single nucleotide variant.
Coding change: c.1740C>T on transcript NM_007294.4 (MANE Select); coding-DNA position 1740, C replaced by T.
Protein change: p.Phe580=; no amino-acid change (phenylalanine 580 retained).
Molecular consequence: synonymous variant. On other transcripts: intron variant (137).
Genome position (GRCh38, 1-based): chr17:43,093,791, G>A on the plus strand (C>T on the coding strand, the complement: BRCA1 is on the minus strand). VCF-style: chr17-43093791-G-A. GRCh37 (hg19) VCF-style: chr17-41245808-G-A.
Other names: c.1527C>T, p.Phe509= (NM_001407571.1, NM_001407853.1, NM_001407894.1 and 9 more transcripts); c.1740C>T, p.Phe580= (NM_001407581.1, NM_001407582.1, NM_001407583.1 and 30 more transcripts); c.1737C>T, p.Phe579= (NM_001407587.1, NM_001407590.1, NM_001407591.1 and 22 more transcripts); c.1614C>T, p.Phe538= (NM_001407671.1, NM_001407672.1, NM_001407673.1 and 11 more transcripts); c.1617C>T, p.Phe539= (NM_001407674.1, NM_001407675.1, NM_001407676.1 and 19 more transcripts); c.1599C>T, p.Phe533= (NM_001407692.1, NM_001407694.1, NM_001407695.1 and 29 more transcripts); c.1596C>T, p.Phe532= (NM_001407740.1, NM_001407741.1, NM_001407742.1 and 20 more transcripts); c.1539C>T, p.Phe513= (NM_001407862.1); and 40 more.
Identifiers: ClinVar variation 377570 (VCV000377570.15), dbSNP rs1057520244, ClinGen allele CA16607276.